The following is an entry in ClinVar:

ClinVar aggregate classification (germline): Uncertain significance (1 of 4 stars; one submission).

Conditions:
Galactosylceramide beta-galactosidase deficiency. Also called: Leukodystrophy, Globoid Cell; Krabbe Disease; GALACTOCEREBROSIDASE DEFICIENCY; GALC DEFICIENCY; GLOBOID CELL LEUKOENCEPHALOPATHY. Identifiers: Orphanet 487, MedGen C0023521, MONDO:0009499, OMIM 245200.

gnomAD v4.1: 3 of 1,590,644 alleles (0.00019%); highest among the groups gnomAD compares: Non-Finnish European, 0.00017%; no homozygotes.

Submission:

Labcorp Genetics (formerly Invitae), Labcorp
Classification: Uncertain significance for Galactosylceramide beta-galactosidase deficiency. Last evaluated: 2025-10-24. Review status: criteria provided, single submitter. Criteria: Invitae Variant Classification Sherloc (09022015). Collection method: clinical testing. Allele origin: germline.
Comment: This sequence change replaces alanine, which is neutral and non-polar, with threonine, which is neutral and polar, at codon 2 of the GALC protein (p.Ala2Thr). This variant is not present in population databases (gnomAD no frequency). This variant has not been reported in the literature in individuals affected with GALC-related conditions. Invitae Evidence Modeling of protein sequence and biophysical properties (such as structural, functional, and spatial information, amino acid conservation, physicochemical variation, residue mobility, and thermodynamic stability) indicates that this missense variant is not expected to disrupt GALC protein function with a negative predictive value of 95%. In summary, the available evidence is currently insufficient to determine the role of this variant in disease. Therefore, it has been classified as a Variant of Uncertain Significance.

NM_000153.4(GALC):c.4G>A (p.Ala2Thr)

Gene: GALC (galactosylceramidase; minus strand). Cytogenetic location: 14q31.3.
Variant type: single nucleotide variant.
Coding change: c.4G>A on transcript NM_000153.4 (MANE Select); coding-DNA position 4, G replaced by A.
Protein change: p.Ala2Thr; replaces alanine 2 with threonine.
Molecular consequence: missense variant. On other transcripts: 5 prime UTR variant (3), non-coding transcript variant (1), intron variant (2).
Genome position (GRCh38, 1-based): chr14:87,993,161, C>T on the plus strand (G>A on the coding strand, the complement: GALC is on the minus strand). VCF-style: chr14-87993161-C-T. GRCh37 (hg19) VCF-style: chr14-88459505-C-T.
Other names: c.4G>A, p.Ala2Thr (NM_001201401.2); c.-267G>A (NM_001424072.1); c.-433G>A (NM_001424075.1); c.-664G>A (NM_001424077.1); c.-473+222G>A (NM_001424076.1); c.117+222G>A (NM_001201402.2); short protein forms A2T.
Identifiers: ClinVar variation 4749562 (VCV004749562.1).